The following is an entry in ClinVar:

ClinVar aggregate classification (germline): Pathogenic (1 of 4 stars; one submission).

Submission:

GeneDx
Classification: Pathogenic. Last evaluated: 2026-01-03. Review status: criteria provided, single submitter. Criteria: GeneDx Variant Classification Process June 2021. Collection method: clinical testing. Allele origin: germline. Affected: yes.
Comment: Identified in patients with features consistent with EYA1-related branchiootorenal spectrum disorder referred for genetic testing at GeneDx and in published literature (PMID: 18220287); Frameshift variant predicted to result in protein truncation or nonsense mediated decay in a gene for which loss of function is a known mechanism of disease; Not observed at significant frequency in large population cohorts (gnomAD); This variant is associated with the following publications: (PMID: 18220287)

NM_000503.6(EYA1):c.1029del (p.Tyr344fs)

Gene: EYA1 (EYA transcriptional coactivator and phosphatase 1; minus strand). Cytogenetic location: 8q13.3.
Variant type: Deletion.
Coding change: c.1029del on transcript NM_000503.6 (MANE Select); coding-DNA position 1029, one base deleted (C; older notation c.1029delC).
Protein change: p.Tyr344fs; shifts the reading frame from tyrosine 344.
Molecular consequence: frameshift variant.
Genome position (GRCh38, 1-based): chr8:71,269,761, G deleted on the plus strand (C on the coding strand, the reverse complement: EYA1 is on the minus strand); the first of 2 consecutive G bases (chr8:71,269,761-71,269,762); deleting either gives the same sequence. VCF-style (leftmost placement, unchanged base first): chr8-71269760-AG-A. GRCh37 (hg19) VCF-style: chr8-72181995-AG-A.
Other names: c.1011del, p.Tyr338fs (NM_001288574.2); c.663del, p.Tyr222fs (NM_001288575.2); c.1116del, p.Tyr373fs (NM_001370333.1); c.1029del, p.Tyr344fs (NM_001370334.1, NM_001370335.1, NM_172058.4); c.1098del, p.Tyr367fs (NM_001370336.1); c.930del, p.Tyr311fs (NM_001411797.1, NM_172060.4); c.1101del, p.Tyr368fs (NM_172059.5); short protein forms Y222fs, Y311fs, Y338fs, Y344fs, Y367fs, Y368fs, Y373fs.
Identifiers: ClinVar variation 2501641 (VCV002501641.3), dbSNP rs2538022099, ClinGen allele CA2580617178.
Genomic context (GRCh38, chr8:71,269,760, plus strand): 5'-ACTCCAAAGAAATTAAAAACTGATGCCTCTTGGTACTCACCCTCCCATATCTGTTGGCGT[AG>A]GACCCAGTAAGCAAGGAGTGGAAAACAATGATTGTCTCATCCAAGTCCCAGATGAACACT-3'